The following is an entry in ClinVar:

NM_003072.5(SMARCA4):c.4871C>T (p.Pro1624Leu)

Gene: SMARCA4 (SWI/SNF related BAF chromatin remodeling complex subunit ATPase 4; plus strand). Cytogenetic location: 19p13.2.
Variant type: single nucleotide variant.
Coding change: c.4871C>T on transcript NM_003072.5 (MANE Select); coding-DNA position 4871, C replaced by T.
Protein change: p.Pro1624Leu; replaces proline 1624 with leucine.
Molecular consequence: missense variant. On other transcripts: non-coding transcript variant (1).
Genome position (GRCh38, 1-based): chr19:11,060,147, C>T. VCF-style: chr19-11060147-C-T. GRCh37 (hg19) VCF-style: chr19-11170823-C-T.
Other names: c.4871C>T, p.Pro1624Leu (NM_001128844.3); c.4781C>T, p.Pro1594Leu (NM_001128845.2); c.4778C>T, p.Pro1593Leu (NM_001128846.2); c.4772C>T, p.Pro1591Leu (NM_001128847.4, NM_001374457.1); c.4769C>T, p.Pro1590Leu (NM_001128848.2); c.4967C>T, p.Pro1656Leu (NM_001128849.3, NM_001387283.1); short protein forms P1656L, P1591L, P1594L, P1593L, P1590L, P1624L.
Identifiers: ClinVar variation 408631 (VCV000408631.19), dbSNP rs756255060, ClinGen allele CA9204889.

ClinVar aggregate classification (germline): Uncertain significance. Review status: criteria provided, multiple submitters, no conflicts (2 of 4 stars). 6 submissions from 6 submitters: Uncertain significance (6). Last evaluated 2025-01-31.

Conditions:
Hereditary cancer-predisposing syndrome. Also called: Hereditary Cancer Syndrome; Hereditary neoplastic syndrome; Neoplastic Syndromes, Hereditary; Tumor predisposition. Identifiers: Orphanet 140162, MedGen C0027672, MeSH D009386, MONDO:0015356.
Rhabdoid tumor predisposition syndrome 2 (RTPS2). Identifiers: Orphanet 231108, Orphanet 69077, MedGen C2750074, MONDO:0013224, OMIM 613325.
Intellectual disability, autosomal dominant 16 (CSS4). Also called: COFFIN-SIRIS SYNDROME 4. Identifiers: Orphanet 1465, MedGen C3553249, MONDO:0013821, OMIM 614609.

Allele frequency attached by ClinVar (database versions not stated): gnomAD 0.00001; gnomAD exomes 0.00001 and 0.00002; TOPMed 0.00002; ExAC 0.00005.
gnomAD v4.1: 13 of 1,551,064 alleles (0.00084%); highest among the groups gnomAD compares: Middle Eastern, 0.017%; no homozygotes.

Submissions (6):

Ambry Genetics
Classification: Uncertain significance for Hereditary cancer-predisposing syndrome. Last evaluated: 2025-01-31. Review status: criteria provided, single submitter. Criteria: Ambry Variant Classification Scheme 2023. Collection method: clinical testing. Allele origin: germline.
Comment: The p.P1656L variant (also known as c.4967C>T), located in coding exon 34 of the SMARCA4 gene, results from a C to T substitution at nucleotide position 4967. The proline at codon 1656 is replaced by leucine, an amino acid with similar properties. This amino acid position is highly conserved in available vertebrate species. In addition, this alteration is predicted to be deleterious by in silico analysis. This variant has been detected in multiple individuals with no reported features of Coffin-Siris syndrome (Ambry internal data). Based on the supporting evidence, the association of this alteration with rhabdoid tumor predisposition syndrome is unknown; however, the association of this alteration with Coffin-Siris syndrome is unlikely.

Labcorp Genetics (formerly Invitae), Labcorp
Classification: Uncertain significance for Rhabdoid tumor predisposition syndrome 2. Last evaluated: 2024-10-21. Review status: criteria provided, single submitter. Criteria: Invitae Variant Classification Sherloc (09022015). Collection method: clinical testing. Allele origin: germline.
Comment: This sequence change replaces proline, which is neutral and non-polar, with leucine, which is neutral and non-polar, at codon 1656 of the SMARCA4 protein (p.Pro1656Leu). This variant is present in population databases (rs756255060, gnomAD 0.01%). This variant has not been reported in the literature in individuals affected with SMARCA4-related conditions. ClinVar contains an entry for this variant (Variation ID: 408631). Invitae Evidence Modeling of protein sequence and biophysical properties (such as structural, functional, and spatial information, amino acid conservation, physicochemical variation, residue mobility, and thermodynamic stability) has been performed for this missense variant. However, the output from this modeling did not meet the statistical confidence thresholds required to predict the impact of this variant on SMARCA4 protein function. In summary, the available evidence is currently insufficient to determine the role of this variant in disease. Therefore, it has been classified as a Variant of Uncertain Significance.

GeneDx
Classification: Uncertain significance. Last evaluated: 2023-10-27. Review status: criteria provided, single submitter. Criteria: GeneDx Variant Classification Process June 2021. Collection method: clinical testing. Allele origin: germline. Affected: yes.
Comment: In silico analysis supports that this missense variant has a deleterious effect on protein structure/function; Has not been previously published as pathogenic or benign to our knowledge

Baylor Genetics
Classification: Uncertain significance for Rhabdoid tumor predisposition syndrome 2. Last evaluated: 2023-08-02. Review status: criteria provided, single submitter. Criteria: ACMG Guidelines, 2015. Collection method: clinical testing. Allele origin: unknown.

Genome-Nilou Lab
Classification: Uncertain significance for Intellectual disability, autosomal dominant 16. Last evaluated: 2021-07-15. Review status: criteria provided, single submitter. Criteria: ACMG Guidelines, 2015. Collection method: clinical testing. Allele origin: germline. Affected: no.

Fulgent Genetics
Classification: Uncertain significance for Rhabdoid tumor predisposition syndrome 2; Intellectual disability, autosomal dominant 16. Last evaluated: 2018-10-31. Review status: criteria provided, single submitter. Criteria: ACMG Guidelines, 2015. Collection method: clinical testing. Allele origin: unknown.